The following is an entry in ClinVar:

NM_012186.3(FOXE3):c.736G>A (p.Ala246Thr)

Genes: FOXE3 (forkhead box E3; plus strand), LINC01389 (long independently transcribed non-coding RNA 1389; minus strand). Cytogenetic location: 1p33.
Variant type: single nucleotide variant.
Coding change: c.736G>A on transcript NM_012186.3 (MANE Select); coding-DNA position 736, G replaced by A.
Protein change: p.Ala246Thr; replaces alanine 246 with threonine.
Molecular consequence: missense variant.
Genome position (GRCh38, 1-based): chr1:47,417,051, G>A. VCF-style: chr1-47417051-G-A. GRCh37 (hg19) VCF-style: chr1-47882723-G-A.
Other names: short protein forms A246T.
Identifiers: ClinVar variation 838131 (VCV000838131.12), dbSNP rs921860618, ClinGen allele CA22069224.

ClinVar aggregate classification (germline): Uncertain significance. Review status: criteria provided, multiple submitters, no conflicts (2 of 4 stars). 2 submissions from 2 submitters: Uncertain significance (2). Last evaluated 2025-10-27.

Conditions:
Congenital primary aphakia. Also called: ANTERIOR SEGMENT DYSGENESIS 2; Anterior segment dysgenesis 2, multiple subtypes. Identifiers: Orphanet 83461, MedGen C1853230, MONDO:0012456, OMIM 610256.
Anterior segment dysgenesis. Also called: Ocular anterior segment dysgenesis. Identifiers: Orphanet 88632, MedGen C1862839, MONDO:0019503, HP:0007700.
Cardiovascular phenotype. Identifiers: MedGen CN230736.

Allele frequency attached by ClinVar (database versions not stated): gnomAD 0.00004 and 0.00005; TOPMed 0.00004; gnomAD exomes 0.00008.

Submissions (2):

Ambry Genetics
Classification: Uncertain significance for Cardiovascular phenotype. Last evaluated: 2025-10-27. Review status: criteria provided, single submitter. Criteria: Ambry Variant Classification Scheme 2023. Collection method: clinical testing. Allele origin: germline.
Comment: The p.A246T variant (also known as c.736G>A), located in coding exon 1 of the FOXE3 gene, results from a G to A substitution at nucleotide position 736. The alanine at codon 246 is replaced by threonine, an amino acid with similar properties. This amino acid position is conserved. In addition, this alteration is predicted to be tolerated by in silico analysis. Since supporting evidence is limited at this time, the clinical significance of this alteration remains unclear.

Labcorp Genetics (formerly Invitae), Labcorp
Classification: Uncertain significance for Anterior segment dysgenesis; Congenital primary aphakia. Last evaluated: 2025-02-22. Review status: criteria provided, single submitter. Criteria: Invitae Variant Classification Sherloc (09022015). Collection method: clinical testing. Allele origin: germline.
Comment: This sequence change replaces alanine, which is neutral and non-polar, with threonine, which is neutral and polar, at codon 246 of the FOXE3 protein (p.Ala246Thr). The frequency data for this variant in the population databases is considered unreliable, as metrics indicate poor data quality at this position in the gnomAD database. This variant has not been reported in the literature in individuals affected with FOXE3-related conditions. ClinVar contains an entry for this variant (Variation ID: 838131). Invitae Evidence Modeling of protein sequence and biophysical properties (such as structural, functional, and spatial information, amino acid conservation, physicochemical variation, residue mobility, and thermodynamic stability) indicates that this missense variant is not expected to disrupt FOXE3 protein function with a negative predictive value of 80%. In summary, the available evidence is currently insufficient to determine the role of this variant in disease. Therefore, it has been classified as a Variant of Uncertain Significance.